The following is an entry in ClinVar:

NM_000093.5(COL5A1):c.865G>T (p.Glu289Ter)

Gene: COL5A1 (collagen type V alpha 1 chain; plus strand). Cytogenetic location: 9q34.3.
Variant type: single nucleotide variant.
Coding change: c.865G>T on transcript NM_000093.5 (MANE Select); coding-DNA position 865, G replaced by T.
Protein change: p.Glu289Ter; replaces glutamic acid 289 with a stop codon.
Molecular consequence: nonsense.
Genome position (GRCh38, 1-based): chr9:134,728,748, G>T. VCF-style: chr9-134728748-G-T. GRCh37 (hg19) VCF-style: chr9-137620594-G-T.
Other names: c.865G>T, p.Glu289Ter (NM_001278074.1); short protein forms E289*.
Identifiers: ClinVar variation 2003374 (VCV002003374.4), dbSNP rs2490492592, ClinGen allele CA375447355.

ClinVar aggregate classification (germline): Pathogenic (1 of 4 stars; one submission).

Conditions:
Ehlers-Danlos syndrome, classic type, 1 (EDSCL1). Also called: EHLERS-DANLOS SYNDROME, GRAVIS TYPE; EHLERS-DANLOS SYNDROME, SEVERE CLASSIC TYPE; Ehlers-Danlos syndrome, type 1; EDS I; Ehlers-Danlos Syndrome, Classic Type, COL5A1-Related. Identifiers: MedGen C0268335, MONDO:0019567, OMIM 130000.

Submission:

Labcorp Genetics (formerly Invitae), Labcorp
Classification: Pathogenic for Ehlers-Danlos syndrome, classic type, 1. Last evaluated: 2022-06-08. Review status: criteria provided, single submitter. Criteria: Invitae Variant Classification Sherloc (09022015). Collection method: clinical testing. Allele origin: germline.
Comment: For these reasons, this variant has been classified as Pathogenic. This variant has not been reported in the literature in individuals affected with COL5A1-related conditions. This variant is not present in population databases (gnomAD no frequency). This sequence change creates a premature translational stop signal (p.Glu289*) in the COL5A1 gene. It is expected to result in an absent or disrupted protein product. Loss-of-function variants in COL5A1 are known to be pathogenic (PMID: 23587214).

Literature cited by the submitters: PubMed 23587214.